The following is an entry in ClinVar:

NM_000384.3(APOB):c.1225G>C (p.Asp409His)

Gene: APOB (apolipoprotein B; minus strand). Cytogenetic location: 2p24.1.
Variant type: single nucleotide variant.
Coding change: c.1225G>C on transcript NM_000384.3 (MANE Select); coding-DNA position 1225, G replaced by C.
Protein change: p.Asp409His; replaces aspartic acid 409 with histidine.
Molecular consequence: missense variant.
Genome position (GRCh38, 1-based): chr2:21,032,481, C>G on the plus strand (G>C on the coding strand, the complement: APOB is on the minus strand). VCF-style: chr2-21032481-C-G. GRCh37 (hg19) VCF-style: chr2-21255353-C-G.
Other names: short protein forms D409H.
Identifiers: ClinVar variation 5027156 (VCV005027156.1).
Genomic context (GRCh38, chr2:21,032,481, plus strand): 5'-TCTCTCGCAGCTGCTGTGCTGAGGGCTCGGGGATCAGGGCCACCAGGTAGGTGACCACAT[C>G]TATCAGAAGGGGGTTGGCATGCACACGTTTCAGCCACTGGAGGATGTGAGTGGAGCACTG-3'
Protein context (NP_000375.3, residues 399-419): KRVHANPLLI[Asp409His]VVTYLVALIP

ClinVar aggregate classification (germline): Uncertain significance (1 of 4 stars; one submission).

Conditions:
Cardiovascular phenotype. Identifiers: MedGen CN230736.

gnomAD v4.1: 1 of 1,614,172 alleles (0.000062%); highest among the groups gnomAD compares: Non-Finnish European, 0.000085%; no homozygotes.

Submission:

Ambry Genetics
Classification: Uncertain significance for Cardiovascular phenotype. Last evaluated: 2026-07-02. Review status: criteria provided, single submitter. Criteria: Ambry Variant Classification Scheme 2023. Collection method: clinical testing. Allele origin: germline.
Comment: The p.D409H variant (also known as c.1225G>C), located in coding exon 10 of the APOB gene, results from a G to C substitution at nucleotide position 1225. The aspartic acid at codon 409 is replaced by histidine, an amino acid with similar properties. This amino acid position is conserved. In addition, this alteration is predicted to be deleterious by in silico analysis. Based on the available evidence, the clinical significance of this variant remains unclear.